The following is an entry in ClinVar:

ClinVar aggregate classification (germline): Pathogenic (1 of 4 stars; one submission).

Conditions:
Congenital myasthenic syndrome (CMS). Also called: Congenital Myasthenic Syndromes. Identifiers: Orphanet 590, MedGen C0751882, MeSH D020294, MONDO:0018940.

Submission:

Myriad Genetics, Inc.
Classification: Pathogenic for Congenital myasthenic syndrome. Last evaluated: 2025-10-21. Review status: criteria provided, single submitter. Criteria: Myriad Autosomal Dominant, Autosomal Recessive and X-Linked Classification Criteria (2023). Collection method: clinical testing. Allele origin: unknown.
Comment: NM_000080.3(CHRNE):c.525_537del13ins2(E175Dfs*23) is expected to be pathogenic in the context of congenital myasthenic syndrome, CHRNE-related. This variant is predicted to lead to an abnormal or absent protein product due to the creation of a premature termination codon in CHRNE, a gene where loss-of-function variants are known to be pathogenic. Please note: this variant was assessed in the context of healthy population screening.

NM_000080.4(CHRNE):c.525_537delinsCA (p.Glu175fs)

Genes: CHRNE (cholinergic receptor nicotinic epsilon subunit; minus strand), C17orf107 (chromosome 17 open reading frame 107; plus strand). Cytogenetic location: 17p13.2.
Variant type: Indel.
Coding change: c.525_537delinsCA on transcript NM_000080.4 (MANE Select); coding-DNA positions 525 to 537, GGTGGAGTTCACT replaced by CA.
Protein change: p.Glu175fs; shifts the reading frame from glutamic acid 175.
Molecular consequence: frameshift variant. On other transcripts: 3 prime UTR variant (1).
Genome position (GRCh38, 1-based): chr17:4,901,589-4,901,601, AGTGAACTCCACC replaced by TG on the plus strand (GGTGGAGTTCACT replaced by CA on the coding strand, the reverse complement: CHRNE is on the minus strand). VCF-style: chr17-4901589-AGTGAACTCCACC-TG. GRCh37 (hg19) VCF-style: chr17-4804884-AGTGAACTCCACC-TG.
Other names: c.*1056_*1068delinsTG (NM_001145536.2); short protein forms E175fs.
Identifiers: ClinVar variation 5015111 (VCV005015111.1).
Genomic context (GRCh38, chr17:4,901,589, plus strand): 5'-ATAGGCCTCTGTGTCGATGTCGATCTTGTTGATGGTCTTGCCGTCGTTGTCTACGGCAAA[AGTGAACTCCACC>TG]TCTTCGGCATTGTACGTCTGAGAGCTGCGGAGCCAGGGCCGGGAGCCCACCCCAGAAGCT-3'